The following continues an entry in ClinVar:

NM_000138.5(FBN1):c.4214T>G (p.Leu1405Arg)

ClinVar aggregate classification (germline): Uncertain significance. Uncertain significance (1).

Submissions 9 to 18 of 18:

PreventionGenetics, part of Exact Sciences
Classification: Uncertain significance for FBN1-related condition. Last evaluated: 2023-09-23. Review status: criteria provided, single submitter. Criteria: ACMG Guidelines, 2015. Collection method: clinical testing. Allele origin: germline. Not counted in ClinVar's aggregate classification.
Comment: The FBN1 c.4214T>G variant is predicted to result in the amino acid substitution p.Leu1405Arg. This variant has been reported in a patient with connective tissue disease and vascular involvement (Rybczynski et al. 2008. PubMed ID: 19012347). It has also been reported as a variant of uncertain significance in a patient with idiopathic scoliosis who did not have a dilated aorta or a clinical diagnosis of Marfan syndrome (Haller et al. 2015. PubMed ID: 26333736) and as a presumed pathogenic, de novo variant in a patient with recurrent spontaneous coronary dissection without Marfan syndrome (von Hundelshausen et al. 2014. PubMed ID: 25519456). This variant has conflicting interpretations regarding it pathogenicity in ClinVar, ranging from likely benign to uncertain. Although we suspect that this variant may be benign, at this time, the clinical significance of this variant is uncertain due to the absence of conclusive functional and genetic evidence.

CHEO Genetics Diagnostic Laboratory, Children's Hospital of Eastern Ontario
Classification: Uncertain significance for Familial thoracic aortic aneurysm and aortic dissection. Last evaluated: 2019-10-09. Review status: criteria provided, single submitter. Criteria: ACMG Guidelines, 2015. Collection method: clinical testing. Allele origin: germline. Not counted in ClinVar's aggregate classification.

Illumina Laboratory Services, Illumina
Classification: Uncertain significance for Familial thoracic aortic aneurysm and aortic dissection. Last evaluated: 2017-04-28. Review status: criteria provided, single submitter. Criteria: ICSL Variant Classification Criteria 13 December 2019. Collection method: clinical testing. Allele origin: germline. Not counted in ClinVar's aggregate classification.

Illumina Laboratory Services, Illumina
Classification: Likely benign for Weill-Marchesani syndrome. Last evaluated: 2017-04-28. Review status: criteria provided, single submitter. Criteria: ICSL Variant Classification Criteria 13 December 2019. Collection method: clinical testing. Allele origin: germline. Not counted in ClinVar's aggregate classification.
Comment: This variant was observed as part of a predisposition screen in an ostensibly healthy population. A literature search was performed for the gene, cDNA change, and amino acid change (where applicable). No publications were found based on this search. Allele frequency data from public databases allowed determination this variant is unlikely to cause disease. Therefore, this variant is classified as likely benign.

Illumina Laboratory Services, Illumina
Classification: Likely benign for Geleophysic dysplasia. Last evaluated: 2017-04-28. Review status: criteria provided, single submitter. Criteria: ICSL Variant Classification Criteria 13 December 2019. Collection method: clinical testing. Allele origin: germline. Not counted in ClinVar's aggregate classification.
Comment: the same text as in the submission from Illumina Laboratory Services, Illumina above.

Illumina Laboratory Services, Illumina
Classification: Likely benign for Acromicric dysplasia. Last evaluated: 2017-04-28. Review status: criteria provided, single submitter. Criteria: ICSL Variant Classification Criteria 13 December 2019. Collection method: clinical testing. Allele origin: germline. Not counted in ClinVar's aggregate classification.
Comment: the same text as in the submission from Illumina Laboratory Services, Illumina above.

Illumina Laboratory Services, Illumina
Classification: Uncertain significance for Marfan syndrome. Last evaluated: 2017-04-28. Review status: criteria provided, single submitter. Criteria: ICSL Variant Classification Criteria 13 December 2019. Collection method: clinical testing. Allele origin: germline. Not counted in ClinVar's aggregate classification.
Comment: This variant was observed as part of a predisposition screen in an ostensibly healthy population. A literature search was performed for the gene, cDNA change, and amino acid change (where applicable). Publications were found based on this search. However, the evidence from the literature, in combination with allele frequency data from public databases where available, was not sufficient to rule this variant in or out of causing disease. Therefore, this variant is classified as a variant of unknown significance.

Illumina Laboratory Services, Illumina
Classification: Likely benign for Ectopia lentis 1, isolated, autosomal dominant. Last evaluated: 2017-04-28. Review status: criteria provided, single submitter. Criteria: ICSL Variant Classification Criteria 13 December 2019. Collection method: clinical testing. Allele origin: germline. Not counted in ClinVar's aggregate classification.
Comment: the same text as in the submission from Illumina Laboratory Services, Illumina above.

Illumina Laboratory Services, Illumina
Classification: Likely benign for Stiff skin syndrome. Last evaluated: 2017-04-28. Review status: criteria provided, single submitter. Criteria: ICSL Variant Classification Criteria 13 December 2019. Collection method: clinical testing. Allele origin: germline. Not counted in ClinVar's aggregate classification.
Comment: the same text as in the submission from Illumina Laboratory Services, Illumina above.

Center for Medical Genetics Ghent, University of Ghent
Classification: Uncertain significance for Marfan syndrome. Last evaluated: 2017-11-07. Review status: no assertion criteria provided. Collection method: clinical testing. Allele origin: germline. Affected: yes. Not counted in ClinVar's aggregate classification.

Literature cited by the submitters: PubMed 19012347 (cited by 5 submitters); PubMed 25519456 (cited by 4 submitters); PubMed 26333736 (cited by 4 submitters); PubMed 32938213 (cited by 3 submitters); PubMed 24833718 (cited by Women's Health and Genetics/Laboratory Corporation of America, LabCorp).